The following is an entry in ClinVar:

NM_001453.3(FOXC1):c.409G>A (p.Val137Ile)

Gene: FOXC1 (forkhead box C1; plus strand). Cytogenetic location: 6p25.3.
Variant type: single nucleotide variant.
Coding change: c.409G>A on transcript NM_001453.3 (MANE Select); coding-DNA position 409, G replaced by A.
Protein change: p.Val137Ile; replaces valine 137 with isoleucine.
Molecular consequence: missense variant.
Genome position (GRCh38, 1-based): chr6:1,610,854, G>A. VCF-style: chr6-1610854-G-A. GRCh37 (hg19) VCF-style: chr6-1611089-G-A.
Other names: short protein forms V137I.
Identifiers: ClinVar variation 4748950 (VCV004748950.1).

ClinVar aggregate classification (germline): Uncertain significance (1 of 4 stars; one submission).

Conditions:
Axenfeld-Rieger syndrome type 3 (RIEG3). Also called: AXENFELD-RIEGER ANOMALY WITH CARDIAC DEFECTS AND/OR SENSORINEURAL HEARING LOSS. Identifiers: Orphanet 782, MedGen C2678503, MONDO:0011233, OMIM 602482.

gnomAD v4.1: 19 of 1,613,970 alleles (0.0012%); highest among the groups gnomAD compares: Admixed American, 0.0017%; no homozygotes.

Submission:

Labcorp Genetics (formerly Invitae), Labcorp
Classification: Uncertain significance for Axenfeld-Rieger syndrome type 3. Last evaluated: 2025-03-22. Review status: criteria provided, single submitter. Criteria: Invitae Variant Classification Sherloc (09022015). Collection method: clinical testing. Allele origin: germline.
Comment: This sequence change replaces valine, which is neutral and non-polar, with isoleucine, which is neutral and non-polar, at codon 137 of the FOXC1 protein (p.Val137Ile). This variant is present in population databases (rs9502980, gnomAD 0.007%). This variant has not been reported in the literature in individuals affected with FOXC1-related conditions. An algorithm developed to predict the effect of missense changes on protein structure and function (PolyPhen-2) suggests that this variant is likely to be disruptive. In summary, the available evidence is currently insufficient to determine the role of this variant in disease. Therefore, it has been classified as a Variant of Uncertain Significance.